The following is an entry in ClinVar:

ClinVar aggregate classification (germline): Uncertain significance (1 of 4 stars; one submission).

Allele frequency attached by ClinVar (database versions not stated): TOPMed 0.00001.

Submission:

Labcorp Genetics (formerly Invitae), Labcorp
Classification: Uncertain significance. Last evaluated: 2025-09-09. Review status: criteria provided, single submitter. Criteria: Invitae Variant Classification Sherloc (09022015). Collection method: clinical testing. Allele origin: germline.
Comment: This sequence change replaces alanine, which is neutral and non-polar, with threonine, which is neutral and polar, at codon 229 of the ZNF513 protein (p.Ala229Thr). This variant is present in population databases (rs779353288, gnomAD 0.03%). This variant has not been reported in the literature in individuals affected with ZNF513-related conditions. ClinVar contains an entry for this variant (Variation ID: 1021046). An algorithm developed to predict the effect of missense changes on protein structure and function outputs the following: PolyPhen-2: "Benign". The threonine amino acid residue is found in multiple mammalian species, which suggests that this missense change does not adversely affect protein function. In summary, the available evidence is currently insufficient to determine the role of this variant in disease. Therefore, it has been classified as a Variant of Uncertain Significance.

NM_144631.6(ZNF513):c.685G>A (p.Ala229Thr)

Gene: ZNF513 (zinc finger protein 513; minus strand). Cytogenetic location: 2p23.3.
Variant type: single nucleotide variant.
Coding change: c.685G>A on transcript NM_144631.6 (MANE Select); coding-DNA position 685, G replaced by A.
Protein change: p.Ala229Thr; replaces alanine 229 with threonine.
Molecular consequence: missense variant.
Genome position (GRCh38, 1-based): chr2:27,378,581, C>T on the plus strand (G>A on the coding strand, the complement: ZNF513 is on the minus strand). VCF-style: chr2-27378581-C-T. GRCh37 (hg19) VCF-style: chr2-27601448-C-T.
Other names: c.499G>A, p.Ala167Thr (NM_001201459.2); short protein forms A167T, A229T.
Identifiers: ClinVar variation 1021046 (VCV001021046.8), dbSNP rs779353288, ClinGen allele CA1578000.
Genomic context (GRCh38, chr2:27,378,581, plus strand): 5'-CTGGTCGTGGAGTACAGCAGCGGAAGCCACAGGTCGGGCAGGGAGGAGTGGGGGGCCCTG[C>T]GTGGGTACGCTGATGCCGCCTCAGGTTGCCCAGGCTGCTGCAGGCAAAGGGGCAGTGGGG-3'
Protein context (NP_653232.3, residues 219-239): GNLRRHQRTH[Ala229Thr]GPPTPPCPTC